The following is an entry in ClinVar:

ClinVar aggregate classification (germline): Uncertain significance. Review status: criteria provided, multiple submitters, no conflicts (2 of 4 stars). 2 submissions from 2 submitters: Uncertain significance (2). Last evaluated 2022-06-30.

Submissions (2):

Greenwood Genetic Center Diagnostic Laboratories, Greenwood Genetic Center
Classification: Uncertain significance. Last evaluated: 2022-06-30. Review status: criteria provided, single submitter. Criteria: ACMG Guidelines, 2015. Collection method: clinical testing. Allele origin: germline. Affected: yes.
Comment: PM2, PP2

GeneDx
Classification: Uncertain significance. Last evaluated: 2022-06-07. Review status: criteria provided, single submitter. Criteria: GeneDx Variant Classification Process June 2021. Collection method: clinical testing. Allele origin: germline. Affected: yes.
Comment: Not observed at significant frequency in large population cohorts (gnomAD); In silico analysis supports that this missense variant has a deleterious effect on protein structure/function; Has not been previously published as pathogenic or benign to our knowledge

NM_001376.5(DYNC1H1):c.1208A>T (p.His403Leu)

Gene: DYNC1H1 (dynein cytoplasmic 1 heavy chain 1; plus strand). Cytogenetic location: 14q32.31.
Variant type: single nucleotide variant.
Coding change: c.1208A>T on transcript NM_001376.5 (MANE Select); coding-DNA position 1208, A replaced by T.
Protein change: p.His403Leu; replaces histidine 403 with leucine.
Molecular consequence: missense variant.
Genome position (GRCh38, 1-based): chr14:101,983,265, A>T. VCF-style: chr14-101983265-A-T. GRCh37 (hg19) VCF-style: chr14-102449602-A-T.
Other names: c.1208A>T (NM_001376.4); short protein forms H403L.
Identifiers: ClinVar variation 1703135 (VCV001703135.4), dbSNP rs1451197374, ClinGen allele CA391014171.